The following is an entry in ClinVar:

ClinVar aggregate classification (germline): Conflicting classifications of pathogenicity. Review status: criteria provided, conflicting classifications (1 of 4 stars). 3 submissions from 3 submitters: Likely pathogenic (1); Uncertain significance (1). 1 of the submissions does not count toward it. Last evaluated 2026-01-12.

Conditions:
Nemaline myopathy 2 (NEM2). Also called: Nemaline myopathy 2, autosomal recessive. Identifiers: MedGen C1850569, MONDO:0009725, OMIM 256030.

Allele frequency attached by ClinVar (database versions not stated): gnomAD exomes below 0.00001; ExAC 0.00002.
gnomAD v4.1: 2 of 1,595,978 alleles (0.00013%); highest among the groups gnomAD compares: Admixed American, 0.0035%; no homozygotes.

Submissions (3):

Labcorp Genetics (formerly Invitae), Labcorp
Classification: Likely pathogenic for Nemaline myopathy 2. Last evaluated: 2026-01-12. Review status: criteria provided, single submitter. Criteria: Invitae Variant Classification Sherloc (09022015). Collection method: clinical testing. Allele origin: germline.
Comment: This sequence change affects an acceptor splice site in intron 8 of the NEB gene. It is expected to disrupt RNA splicing. Variants that disrupt the donor or acceptor splice site typically lead to a loss of protein function (PMID: 16199547), and loss-of-function variants in NEB are known to be pathogenic (PMID: 25205138). The frequency data for this variant in the population databases is considered unreliable, as metrics indicate poor data quality at this position in the gnomAD database. This variant has not been reported in the literature in individuals affected with NEB-related conditions. ClinVar contains an entry for this variant (Variation ID: 558373). Algorithms developed to predict the effect of sequence changes on RNA splicing suggest that this variant may disrupt the consensus splice site. In summary, the currently available evidence indicates that the variant is pathogenic, but additional data are needed to prove that conclusively. Therefore, this variant has been classified as Likely Pathogenic.

Myriad Genetics, Inc.
Classification: Uncertain significance for Nemaline myopathy 2. Last evaluated: 2025-12-26. Review status: criteria provided, single submitter. Criteria: Myriad Autosomal Dominant, Autosomal Recessive and X-Linked Classification Criteria (2023). Collection method: clinical testing. Allele origin: unknown.
Comment: NM_001271208.1(NEB):c.613-2A>G is a variant in a canonical splice site classified as a variant of uncertain significance in the context of NEB-related nemaline myopathy. c.613-2A>G has not been observed in cases with relevant disease. Relevant functional assessments of this variant are not available in the literature. c.613-2A>G has been observed in referenced population frequency databases. In summary, there is insufficient evidence to classify NM_001271208.1(NEB):c.613-2A>G as pathogenic or benign. Please note: this variant was assessed in the context of healthy population screening.

Counsyl
Classification: Likely pathogenic for Nemaline myopathy 2. Last evaluated: 2018-05-16. Review status: no assertion criteria provided. Collection method: clinical testing. Allele origin: unknown. Not counted in ClinVar's aggregate classification.

Literature cited by the submitters: PubMed 16199547 (cited by Labcorp Genetics (formerly Invitae), Labcorp); PubMed 25205138 (cited by Labcorp Genetics (formerly Invitae), Labcorp).

NM_001164508.2(NEB):c.613-2A>G

Gene: NEB (nebulin; minus strand). Cytogenetic location: 2q23.3.
Variant type: single nucleotide variant.
Coding change: c.613-2A>G on transcript NM_001164508.2 (MANE Select); the canonical splice acceptor site of the intron before coding-DNA position 613, A replaced by G.
Molecular consequence: splice acceptor variant.
Genome position (GRCh38, 1-based): chr2:151,723,488, T>C on the plus strand (A>G on the coding strand, the complement: NEB is on the minus strand). VCF-style: chr2-151723488-T-C. GRCh37 (hg19) VCF-style: chr2-152580002-T-C.
Other names: c.613-2A>G (NM_004543.5, NM_001164507.2, NM_001271208.2).
Identifiers: ClinVar variation 558373 (VCV000558373.6), dbSNP rs752893483, ClinGen allele CA1911834.